The following is an entry in ClinVar:

NM_032043.3(BRIP1):c.857C>T (p.Pro286Leu)

Gene: BRIP1 (BRCA1 interacting DNA helicase 1; minus strand). Cytogenetic location: 17q23.2.
Variant type: single nucleotide variant.
Coding change: c.857C>T on transcript NM_032043.3 (MANE Select); coding-DNA position 857, C replaced by T.
Protein change: p.Pro286Leu; replaces proline 286 with leucine.
Molecular consequence: missense variant.
Genome position (GRCh38, 1-based): chr17:61,808,528, G>A on the plus strand (C>T on the coding strand, the complement: BRIP1 is on the minus strand). VCF-style: chr17-61808528-G-A. GRCh37 (hg19) VCF-style: chr17-59885889-G-A.
Other names: short protein forms P286L.
Identifiers: ClinVar variation 3759051 (VCV003759051.2).

ClinVar aggregate classification (germline): Uncertain significance (1 of 4 stars; one submission).

Conditions:
Fanconi anemia complementation group J. Also called: BRIP1-Related Fanconi Anemia. Identifiers: Orphanet 84, MedGen C1836860, MONDO:0012187, OMIM 609054.
Familial cancer of breast. Also called: BREAST CANCER, FAMILIAL; Hereditary breast cancer; hereditary breast carcinoma. Identifiers: Orphanet 227535, MedGen C0346153, MONDO:0016419, OMIM 114480. Disease mechanism: loss of function.

Submission:

Labcorp Genetics (formerly Invitae), Labcorp
Classification: Uncertain significance for Familial cancer of breast; Fanconi anemia complementation group J. Last evaluated: 2024-12-04. Review status: criteria provided, single submitter. Criteria: Invitae Variant Classification Sherloc (09022015). Collection method: clinical testing. Allele origin: germline.
Comment: This sequence change replaces proline, which is neutral and non-polar, with leucine, which is neutral and non-polar, at codon 286 of the BRIP1 protein (p.Pro286Leu). This variant is not present in population databases (gnomAD no frequency). This variant has not been reported in the literature in individuals affected with BRIP1-related conditions. Invitae Evidence Modeling of protein sequence and biophysical properties (such as structural, functional, and spatial information, amino acid conservation, physicochemical variation, residue mobility, and thermodynamic stability) has been performed for this missense variant. However, the output from this modeling did not meet the statistical confidence thresholds required to predict the impact of this variant on BRIP1 protein function. In summary, the available evidence is currently insufficient to determine the role of this variant in disease. Therefore, it has been classified as a Variant of Uncertain Significance.